The following is an entry in ClinVar:

ClinVar aggregate classification (germline): Likely pathogenic (1 of 4 stars; one submission).

Conditions:
Familial cancer of breast. Also called: BREAST CANCER, FAMILIAL; hereditary breast carcinoma; Hereditary breast cancer. Identifiers: Orphanet 227535, MedGen C0346153, MONDO:0016419, OMIM 114480. Disease mechanism: loss of function.

Submission:

Labcorp Genetics (formerly Invitae), Labcorp
Classification: Likely pathogenic for Familial cancer of breast. Last evaluated: 2017-01-04. Review status: criteria provided, single submitter. Criteria: Invitae Variant Classification Sherloc (09022015). Collection method: clinical testing. Allele origin: germline.
Comment: This variant has not been reported in the literature in individuals with a CHEK2-related disease. This sequence change affects a donor splice site in intron 11 of the CHEK2 gene. It is expected to disrupt RNA splicing and likely results in an absent or disrupted protein product. In summary, donor and acceptor splice site variants are typically loss-of-function (PMID: 16199547), and loss-of-function variants in CHEK2 are known to be pathogenic (PMID: 21876083, 24713400). However, without additional functional and/or genetic data, this variant has been classified as Likely Pathogenic.

Literature cited by the submitters: PubMed 16199547; PubMed 21876083; PubMed 24713400.

NM_007194.4(CHEK2):c.1259+2del

Gene: CHEK2 (checkpoint kinase 2; minus strand). Cytogenetic location: 22q12.1.
Variant type: Deletion.
Coding change: c.1259+2del on transcript NM_007194.4 (MANE Select); the canonical splice donor site of the intron after coding-DNA position 1259, one base deleted (T; older notation c.1259+2delT).
Molecular consequence: splice donor variant.
Genome position (GRCh38, 1-based): chr22:28,695,708, A deleted on the plus strand (T on the coding strand, the reverse complement: CHEK2 is on the minus strand). VCF-style (leftmost placement, unchanged base first): chr22-28695707-TA-T. GRCh37 (hg19) VCF-style: chr22-29091695-TA-T.
Other names: c.596+2del (NM_001437942.1, NM_001257387.3); c.1058+2del (NM_001349956.3); c.1172+2del (NM_145862.3); c.1265+2del (NM_001438295.1); c.1352+2del (NM_001438293.1); c.1301+2del (NM_001438294.1); c.1388+2del (NM_001005735.3).
Identifiers: ClinVar variation 460794 (VCV000460794.8), dbSNP rs1555913632, ClinGen allele CA658656824.